The following is an entry in ClinVar:

ClinVar aggregate classification (germline): Benign/Likely benign. Review status: criteria provided, multiple submitters, no conflicts (2 of 4 stars). 4 submissions from 4 submitters: Benign (2); Likely benign (1). 1 of the submissions does not count toward it. Last evaluated 2026-09-01.

Conditions:
CDC42BPB-related disorder.

Allele frequency attached by ClinVar (database versions not stated): 1000 Genomes Project 0.00379; 1000 Genomes Project 30x 0.00422; gnomAD 0.00564 and 0.00587; TOPMed 0.00619; ESP Exome Variant Server 0.00654; ExAC 0.00665; gnomAD exomes 0.00715 and 0.00813.
gnomAD v4.1: 12,874 of 1,614,186 alleles (0.8%); highest among the groups gnomAD compares: Middle Eastern, 1.5%; 96 homozygotes.

Submissions (4):

CeGaT Center for Human Genetics Tuebingen
Classification: Likely benign. Last evaluated: 2026-09-01. Review status: criteria provided, single submitter. Criteria: CeGaT Center For Human Genetics Tuebingen Variant Classification Criteria Version 2. Collection method: clinical testing. Allele origin: germline. Affected: yes. Observed: 40 variant alleles.
Comment: CDC42BPB: BP4, BP7, BS2

Labcorp Genetics (formerly Invitae), Labcorp
Classification: Benign. Last evaluated: 2018-06-19. Review status: criteria provided, single submitter. Criteria: Invitae Variant Classification Sherloc (09022015). Collection method: clinical testing. Allele origin: germline.

Breakthrough Genomics
Classification: Benign. Review status: criteria provided, single submitter. Criteria: ACMG Guidelines, 2015. Collection method: not provided. Allele origin: germline. Inheritance: Autosomal dominant inheritance. Affected: yes.

PreventionGenetics, part of Exact Sciences
Classification: Benign for CDC42BPB-related condition. Last evaluated: 2019-06-11. Review status: no assertion criteria provided. Collection method: clinical testing. Allele origin: germline. Not counted in ClinVar's aggregate classification.
Comment: This variant is classified as benign based on ACMG/AMP sequence variant interpretation guidelines (Richards et al. 2015 PMID: 25741868, with internal and published modifications).

NM_006035.4(CDC42BPB):c.958C>T (p.Leu320=)

Gene: CDC42BPB (CDC42 binding protein kinase beta; minus strand). Cytogenetic location: 14q32.32.
Variant type: single nucleotide variant.
Coding change: c.958C>T on transcript NM_006035.4 (MANE Select); coding-DNA position 958, C replaced by T.
Protein change: p.Leu320=; no amino-acid change (leucine 320 retained).
Molecular consequence: synonymous variant.
Genome position (GRCh38, 1-based): chr14:102,980,955, G>A on the plus strand (C>T on the coding strand, the complement: CDC42BPB is on the minus strand). VCF-style: chr14-102980955-G-A. GRCh37 (hg19) VCF-style: chr14-103447292-G-A.
Identifiers: ClinVar variation 782136 (VCV000782136.28), dbSNP rs56158661, ClinGen allele CA7361521.